The following is an entry in ClinVar:

NM_022124.6(CDH23):c.2990C>T (p.Pro997Leu)

Gene: CDH23 (cadherin related 23; plus strand). Cytogenetic location: 10q22.1.
Variant type: single nucleotide variant.
Coding change: c.2990C>T on transcript NM_022124.6 (MANE Select); coding-DNA position 2990, C replaced by T.
Protein change: p.Pro997Leu; replaces proline 997 with leucine.
Molecular consequence: missense variant.
Genome position (GRCh38, 1-based): chr10:71,706,933, C>T. VCF-style: chr10-71706933-C-T. GRCh37 (hg19) VCF-style: chr10-73466690-C-T.
Other names: c.2990C>T, p.Pro997Leu (NM_001171930.2, NM_001171931.2); short protein forms P997L.
Identifiers: ClinVar variation 286611 (VCV000286611.14), dbSNP rs553541801, ClinGen allele CA5544415.
Genomic context (GRCh38, chr10:71,706,933, plus strand): 5'-CCCGGCGCCCGTTCTGCCCCGCAGTGCTGGATGTGAACGACGAGACGCCCACCTTCTTCC[C>T]GGCCGTGTACAATGTGTCTGTGTCCGAGGACGTGCCACGCGAGTTCCGGGTGGTCTGGCT-3'
Protein context (NP_071407.4, residues 987-1007): DVNDETPTFF[Pro997Leu]AVYNVSVSED

ClinVar aggregate classification (germline): Uncertain significance. Review status: criteria provided, multiple submitters, no conflicts (2 of 4 stars). 8 submissions from 8 submitters: Uncertain significance (7). 1 of the submissions does not count toward it. Last evaluated 2025-09-12.

Conditions:
Usher syndrome type 1 (USH1). Also called: RETINITIS PIGMENTOSA AND CONGENITAL DEAFNESS. Identifiers: Orphanet 231169, Orphanet 886, MedGen C1568247, MONDO:0010168, OMIM 276900.
CDH23-related disorder. Also called: CDH23-related condition; CDH23-related disorders.
Inborn genetic diseases. Identifiers: MedGen C0950123, MeSH D030342.

Allele frequency attached by ClinVar (database versions not stated): gnomAD below 0.00001 and 0.00002; gnomAD exomes 0.00003 and 0.00004; TOPMed 0.00004; ExAC 0.00005.
gnomAD v4.1: 63 of 1,605,618 alleles (0.0039%); highest among the groups gnomAD compares: South Asian, 0.026%; no homozygotes.

Submissions (8):

PreventionGenetics, part of Exact Sciences
Classification: Uncertain significance for CDH23-related condition. Last evaluated: 2025-09-12. Review status: criteria provided, single submitter. Criteria: ACMG Guidelines, 2015. Collection method: clinical testing. Allele origin: germline.
Comment: The CDH23 c.2990C>T variant is predicted to result in the amino acid substitution p.Pro997Leu. To our knowledge, this variant has not been reported in the literature. This variant is reported in 0.011% of alleles in individuals of South Asian descent in gnomAD. At this time, the clinical significance of this variant is uncertain due to the absence of conclusive functional and genetic evidence.

Labcorp Genetics (formerly Invitae), Labcorp
Classification: Uncertain significance. Last evaluated: 2024-08-01. Review status: criteria provided, single submitter. Criteria: Invitae Variant Classification Sherloc (09022015). Collection method: clinical testing. Allele origin: germline.
Comment: This sequence change replaces proline, which is neutral and non-polar, with leucine, which is neutral and non-polar, at codon 997 of the CDH23 protein (p.Pro997Leu). The frequency data for this variant in the population databases is considered unreliable, as metrics indicate poor data quality at this position in the gnomAD database. This variant has not been reported in the literature in individuals affected with CDH23-related conditions. ClinVar contains an entry for this variant (Variation ID: 286611). Advanced modeling of protein sequence and biophysical properties (such as structural, functional, and spatial information, amino acid conservation, physicochemical variation, residue mobility, and thermodynamic stability) performed at Invitae indicates that this missense variant is not expected to disrupt CDH23 protein function with a negative predictive value of 95%. In summary, the available evidence is currently insufficient to determine the role of this variant in disease. Therefore, it has been classified as a Variant of Uncertain Significance.

Blueprint Genetics
Classification: Uncertain significance. Last evaluated: 2023-05-26. Review status: criteria provided, single submitter. Criteria: ACMG Guidelines, 2015. Collection method: clinical testing. Allele origin: germline.

GeneDx
Classification: Uncertain significance. Last evaluated: 2023-02-10. Review status: criteria provided, single submitter. Criteria: GeneDx Variant Classification Process June 2021. Collection method: clinical testing. Allele origin: germline. Affected: yes.
Comment: In silico analysis supports that this missense variant does not alter protein structure/function; Has not been previously published as pathogenic or benign to our knowledge

Ambry Genetics
Classification: Uncertain significance for Inborn genetic diseases. Last evaluated: 2022-07-26. Review status: criteria provided, single submitter. Criteria: Ambry Variant Classification Scheme 2023. Collection method: clinical testing. Allele origin: germline.

Department of Pathology and Laboratory Medicine, Sinai Health System
Classification: Uncertain significance for Usher syndrome type 1. Last evaluated: 2022-02-28. Review status: criteria provided, single submitter. Criteria: ACMG Guidelines, 2015. Collection method: research. Allele origin: germline.

Eurofins Ntd Llc (ga)
Classification: Uncertain significance. Last evaluated: 2016-03-16. Review status: criteria provided, single submitter. Criteria: EGL Classification Definitions 2015. Collection method: clinical testing. Allele origin: germline. Observed: 1 variant allele, 1 heterozygote.

Natera, Inc.
Classification: Uncertain significance for Usher syndrome type 1. Last evaluated: 2019-10-28. Review status: no assertion criteria provided. Collection method: clinical testing. Allele origin: germline. Not counted in ClinVar's aggregate classification.